The following is an entry in ClinVar:

ClinVar aggregate classification (germline): Likely benign (1 of 4 stars; one submission).

Submission:

Women's Health and Genetics/Laboratory Corporation of America, LabCorp
Classification: Likely benign. Last evaluated: 2024-12-04. Review status: criteria provided, single submitter. Criteria: LabCorp Variant Classification Summary - May 2015. Collection method: clinical testing. Allele origin: germline.
Comment: Variant summary: SIN3A c.735C>A alters a conserved nucleotide resulting in a synonymous change. Consensus agreement among computation tools predict no significant impact on normal splicing. However, these predictions have yet to be confirmed by functional studies. The variant allele was found at a frequency of 8.3e-06 in 240876 control chromosomes. The available data on variant occurrences in the general population are insufficient to allow any conclusion about variant significance. To our knowledge, no occurrence of c.735C>A in individuals affected with SIN3A-Related Intellectual Disability Syndrome and no experimental evidence demonstrating its impact on protein function have been reported. No submitters have cited clinical-significance assessments for this variant to ClinVar. Based on the evidence outlined above, the variant was classified as likely benign.

NM_001145358.2(SIN3A):c.735C>A (p.Pro245=)

Gene: SIN3A (SIN3 transcription regulator family member A; minus strand). Cytogenetic location: 15q24.2.
Variant type: single nucleotide variant.
Coding change: c.735C>A on transcript NM_001145358.2 (MANE Select); coding-DNA position 735, C replaced by A.
Protein change: p.Pro245=; no amino-acid change (proline 245 retained).
Molecular consequence: synonymous variant.
Genome position (GRCh38, 1-based): chr15:75,412,784, G>T on the plus strand (C>A on the coding strand, the complement: SIN3A is on the minus strand). VCF-style: chr15-75412784-G-T. GRCh37 (hg19) VCF-style: chr15-75705125-G-T.
Other names: c.735C>A, p.Pro245= (NM_001145357.2, NM_015477.3).
Identifiers: ClinVar variation 3768261 (VCV003768261.1).
Genomic context (GRCh38, chr15:75,412,784, plus strand): 5'-GATGCATTCATATTGATGCAATATTTTCCAAGTGCTCACCTTGCTGACTTTGGCAGGTGG[G>T]GGCTGAGGAGCTGGCTGGGCAGGAGCTGGGGCTGACTGGGCTGAAGGCTGGGAAGGATGT-3'
Protein context (NP_001138830.1, residues 235-255): APAPAQPAPQ[Pro245=]PPAKVSKPSQ